The following is an entry in ClinVar:

ClinVar aggregate classification (germline): Likely pathogenic (1 of 4 stars; one submission).

Submission:

Genetic Services Laboratory, University of Chicago
Classification: Likely pathogenic. Last evaluated: 2020-01-26. Review status: criteria provided, single submitter. Criteria: ACMG Guidelines, 2015. Collection method: clinical testing. Allele origin: germline. Affected: yes.
Comment: DNA sequence analysis of the PNKP gene demonstrated one base pair duplication in exon 17, c.1462dup. This duplication results in an amino acid frameshift and creates a premature stop codon 5 amino acids downstream of the change, p.Ala488Glyfs*6. This duplication is predicted to result in an abnormal transcript, which may be degraded, or may lead to the production of a truncated PNKP protein with potentially abnormal function. This duplication is absent from the large population databases (ExAC and gnomAD). While this duplication has not previously been described in the literature, other duplications in the PNKP gene have been described in patients with PNKP-related disorders (PMID: 25728773). These collective evidences indicate that this sequence change is likely pathogenic; however functional studies have not been performed to prove this conclusively.

NM_007254.4(PNKP):c.1462dup (p.Ala488fs)

Gene: PNKP (polynucleotide kinase 3'-phosphatase; minus strand). Cytogenetic location: 19q13.33.
Variant type: Duplication.
Coding change: c.1462dup on transcript NM_007254.4 (MANE Select); coding-DNA position 1462, one base duplicated (G; older notation c.1462dupG).
Protein change: p.Ala488fs; shifts the reading frame from alanine 488.
Molecular consequence: frameshift variant.
Genome position (GRCh38, 1-based): chr19:49,861,352, C duplicated on the plus strand (G on the coding strand, the reverse complement: PNKP is on the minus strand); the first of 2 consecutive C bases (chr19:49,861,352-49,861,353); duplicating either gives the same sequence. VCF-style (leftmost placement, unchanged base first): chr19-49861351-G-GC. GRCh37 (hg19) VCF-style: chr19-50364608-G-GC.
Other names: short protein forms A488fs.
Identifiers: ClinVar variation 1335939 (VCV001335939.4), dbSNP rs1343679884, ClinGen allele CA883144998.